The following is an entry in ClinVar:

ClinVar aggregate classification (germline): Pathogenic (1 of 4 stars; one submission).

Conditions:
Heterotopia, periventricular, X-linked dominant (PVNH1). Also called: PERIVENTRICULAR NODULAR HETEROTOPIA 1; X-linked periventricular heterotopia; PERIVENTRICULAR NODULAR HETEROTOPIA 4; HETEROTOPIA, PERIVENTRICULAR, 1. Identifiers: Orphanet 2149, Orphanet 82004, MedGen C1848213, MONDO:0010233, OMIM 300049.
Oto-palato-digital syndrome, type II (OPD2). Also called: OPD II SYNDROME; FACIOPALATOOSSEOUS SYNDROME; Otopalatodigital Syndrome, Type II; Otopalatodigital Syndrome Type 2 (FLNA-OPD2). Identifiers: Orphanet 669, Orphanet 90652, MedGen C1844696, MONDO:0010571, OMIM 304120.
Melnick-Needles syndrome (MNS). Also called: MELNICK-NEEDLES OSTEODYSPLASTY; OSTEODYSPLASTY OF MELNICK AND NEEDLES; Melnick-Needles Syndrome (FLNA-MNS). Identifiers: Orphanet 2484, MedGen C0025237, MONDO:0010650, OMIM 309350.
Frontometaphyseal dysplasia (FMD1). Identifiers: Orphanet 1826, MedGen C0265293, MONDO:0015942.

Submission:

Labcorp Genetics (formerly Invitae), Labcorp
Classification: Pathogenic for Oto-palato-digital syndrome, type II; Heterotopia, periventricular, X-linked dominant; Frontometaphyseal dysplasia; Melnick-Needles syndrome. Last evaluated: 2020-08-10. Review status: criteria provided, single submitter. Criteria: Invitae Variant Classification Sherloc (09022015). Collection method: clinical testing. Allele origin: germline.
Comment: This variant is not present in population databases (ExAC no frequency). This sequence change creates a premature translational stop signal (p.Pro277*) in the FLNA gene. It is expected to result in an absent or disrupted protein product. For these reasons, this variant has been classified as Pathogenic. Loss-of-function variants in FLNA are known to be pathogenic (PMID: 16684786, 20730588, 26471271). Algorithms developed to predict the effect of sequence changes on RNA splicing suggest that this variant may create or strengthen a splice site, but this prediction has not been confirmed by published transcriptional studies. This variant has not been reported in the literature in individuals with FLNA-related conditions.

Literature cited by the submitters: PubMed 16684786; PubMed 20730588; PubMed 26471271.

NM_001110556.2(FLNA):c.829_835del (p.Arg276_Pro277insTer)

Gene: FLNA (filamin A; minus strand). Cytogenetic location: Xq28.
Variant type: Deletion.
Coding change: c.829_835del on transcript NM_001110556.2 (MANE Select); coding-DNA positions 829 to 835, 7 bases deleted (CCCAAAC; older notation c.829_835delCCCAAAC).
Protein change: p.Arg276_Pro277insTer.
Molecular consequence: nonsense.
Genome position (GRCh38, 1-based): chrX:154,367,430-154,367,436, GTTTGGG deleted on the plus strand (CCCAAAC on the coding strand, the reverse complement: FLNA is on the minus strand). VCF-style (leftmost placement, unchanged base first): chrX-154367429-AGTTTGGG-A. GRCh37 (hg19) VCF-style: chrX-153595797-AGTTTGGG-A.
Other names: c.829_835del, p.Arg276_Pro277insTer (NM_001456.4).
Identifiers: ClinVar variation 1071650 (VCV001071650.7), dbSNP rs2148118942, ClinGen allele CA2499226492.